The following is an entry in ClinVar:

ClinVar aggregate classification (germline): Uncertain significance (1 of 4 stars; one submission).

Conditions:
Tay-Sachs disease (TSD). Also called: GM2 gangliosidosis, type 1; Hexosaminidase alpha-subunit deficiency (variant B); Sphingolipidosis, Tay-Sachs; Hexosaminidase A Deficiency; HEXA DEFICIENCY; HEXA Disorders. Identifiers: Orphanet 845, MedGen C0039373, MONDO:0010100, OMIM 272800.

Allele frequency attached by ClinVar (database versions not stated): ExAC 0.00001; gnomAD 0.00003.
gnomAD v4.1: 7 of 1,589,550 alleles (0.00044%); highest among the groups gnomAD compares: African/African-American, 0.0067%; no homozygotes.

Submission:

Labcorp Genetics (formerly Invitae), Labcorp
Classification: Uncertain significance for Tay-Sachs disease. Last evaluated: 2022-04-15. Review status: criteria provided, single submitter. Criteria: Invitae Variant Classification Sherloc (09022015). Collection method: clinical testing. Allele origin: germline.
Comment: This sequence change affects codon 224 of the HEXA mRNA. It is a 'silent' change, meaning that it does not change the encoded amino acid sequence of the HEXA protein. This variant also falls at the last nucleotide of exon 6, which is part of the consensus splice site for this exon. This variant is present in population databases (rs780134593, gnomAD 0.004%). This variant has not been reported in the literature in individuals affected with HEXA-related conditions. Variants that disrupt the consensus splice site are a relatively common cause of aberrant splicing (PMID: 17576681, 9536098). Algorithms developed to predict the effect of sequence changes on RNA splicing suggest that this variant may disrupt the consensus splice site. In summary, the available evidence is currently insufficient to determine the role of this variant in disease. Therefore, it has been classified as a Variant of Uncertain Significance.

Literature cited by the submitters: PubMed 17576681; PubMed 9536098.

NM_000520.6(HEXA):c.672G>A (p.Lys224=)

Gene: HEXA (hexosaminidase subunit alpha; minus strand). Cytogenetic location: 15q23.
Variant type: single nucleotide variant.
Coding change: c.672G>A on transcript NM_000520.6 (MANE Select); coding-DNA position 672, G replaced by A.
Protein change: p.Lys224=; no amino-acid change (lysine 224 retained).
Molecular consequence: synonymous variant. On other transcripts: non-coding transcript variant (1).
Genome position (GRCh38, 1-based): chr15:72,351,133, C>T on the plus strand (G>A on the coding strand, the complement: HEXA is on the minus strand). VCF-style: chr15-72351133-C-T. GRCh37 (hg19) VCF-style: chr15-72643474-C-T.
Other names: c.705G>A, p.Lys235= (NM_001318825.2).
Identifiers: ClinVar variation 2157715 (VCV002157715.1), dbSNP rs780134593, ClinGen allele CA7644933.